The following is an entry in ClinVar:

ClinVar aggregate classification (germline): Uncertain significance. Review status: criteria provided, multiple submitters, no conflicts (2 of 4 stars). 2 submissions from 2 submitters: Uncertain significance (2). Last evaluated 2024-01-17.

Conditions:
Inflammatory skin and bowel disease, neonatal, 1. Identifiers: Orphanet 294023, MedGen C3280501, MONDO:0013693, OMIM 614328.
Inborn genetic diseases. Identifiers: MedGen C0950123, MeSH D030342.

Allele frequency attached by ClinVar (database versions not stated): gnomAD exomes 0.00003; TOPMed 0.00004; gnomAD 0.00005 and 0.00006; ExAC 0.00006; ESP Exome Variant Server 0.00008.
gnomAD v4.1: 131 of 1,603,622 alleles (0.0082%); highest among the groups gnomAD compares: Non-Finnish European, 0.0098%; no homozygotes.

Submissions (2):

Ambry Genetics
Classification: Uncertain significance for Inborn genetic diseases. Last evaluated: 2024-01-17. Review status: criteria provided, single submitter. Criteria: Ambry Variant Classification Scheme 2023. Collection method: clinical testing. Allele origin: germline.

Labcorp Genetics (formerly Invitae), Labcorp
Classification: Uncertain significance for Inflammatory skin and bowel disease, neonatal, 1. Last evaluated: 2022-10-05. Review status: criteria provided, single submitter. Criteria: Invitae Variant Classification Sherloc (09022015). Collection method: clinical testing. Allele origin: germline.
Comment: In summary, the available evidence is currently insufficient to determine the role of this variant in disease. Therefore, it has been classified as a Variant of Uncertain Significance. Algorithms developed to predict the effect of missense changes on protein structure and function are either unavailable or do not agree on the potential impact of this missense change (SIFT: "Not Available"; PolyPhen-2: "Benign"; Align-GVGD: "Not Available"). ClinVar contains an entry for this variant (Variation ID: 1398998). This variant has not been reported in the literature in individuals affected with ADAM17-related conditions. The frequency data for this variant in the population databases is considered unreliable, as metrics indicate poor data quality at this position in the gnomAD database. This sequence change replaces aspartic acid, which is acidic and polar, with tyrosine, which is neutral and polar, at codon 22 of the ADAM17 protein (p.Asp22Tyr).

NM_003183.6(ADAM17):c.64G>T (p.Asp22Tyr)

Gene: ADAM17 (ADAM metallopeptidase domain 17; minus strand). Cytogenetic location: 2p25.1.
Variant type: single nucleotide variant.
Coding change: c.64G>T on transcript NM_003183.6 (MANE Select); coding-DNA position 64, G replaced by T.
Protein change: p.Asp22Tyr; replaces aspartic acid 22 with tyrosine.
Molecular consequence: missense variant. On other transcripts: 5 prime UTR variant (2).
Genome position (GRCh38, 1-based): chr2:9,555,542, C>A on the plus strand (G>T on the coding strand, the complement: ADAM17 is on the minus strand). VCF-style: chr2-9555542-C-A. GRCh37 (hg19) VCF-style: chr2-9695671-C-A.
Other names: c.-617G>T (NM_001382777.1); c.-859G>T (NM_001382778.1); c.64G>T (NM_003183.4); short protein forms D22Y.
Identifiers: ClinVar variation 1398998 (VCV001398998.7), dbSNP rs146033784, ClinGen allele CA1523884.